The following is an entry in ClinVar:

ClinVar aggregate classification (germline): Uncertain significance. Review status: criteria provided, multiple submitters, no conflicts (2 of 4 stars). 2 submissions from 2 submitters: Uncertain significance (2). Last evaluated 2024-03-14.

Conditions:
Inborn genetic diseases. Identifiers: MedGen C0950123, MeSH D030342.

Allele frequency attached by ClinVar (database versions not stated): gnomAD exomes below 0.00001; ExAC 0.00001.

Submissions (2):

Labcorp Genetics (formerly Invitae), Labcorp
Classification: Uncertain significance. Last evaluated: 2024-03-14. Review status: criteria provided, single submitter. Criteria: Invitae Variant Classification Sherloc (09022015). Collection method: clinical testing. Allele origin: germline.
Comment: This sequence change replaces glutamic acid, which is acidic and polar, with lysine, which is basic and polar, at codon 251 of the TRAPPC9 protein (p.Glu251Lys). This variant is present in population databases (rs754850439, gnomAD 0.006%). This variant has not been reported in the literature in individuals affected with TRAPPC9-related conditions. ClinVar contains an entry for this variant (Variation ID: 1759326). An algorithm developed to predict the effect of missense changes on protein structure and function (PolyPhen-2) suggests that this variant is likely to be disruptive. In summary, the available evidence is currently insufficient to determine the role of this variant in disease. Therefore, it has been classified as a Variant of Uncertain Significance.

Ambry Genetics
Classification: Uncertain significance for Inborn genetic diseases. Last evaluated: 2017-08-02. Review status: criteria provided, single submitter. Criteria: Ambry Variant Classification Scheme 2023. Collection method: clinical testing. Allele origin: germline.
Comment: The p.E251K variant (also known as c.751G>A), located in coding exon 2 of the TRAPPC9 gene, results from a G to A substitution at nucleotide position 751. The glutamic acid at codon 251 is replaced by lysine, an amino acid with similar properties. This amino acid position is well conserved in available vertebrate species. In addition, the in silico prediction for this alteration is inconclusive. Since supporting evidence is limited at this time, the clinical significance of this alteration remains unclear.

NM_001160372.4(TRAPPC9):c.457G>A (p.Glu153Lys)

Gene: TRAPPC9 (trafficking protein particle complex subunit 9; minus strand). Cytogenetic location: 8q24.3.
Variant type: single nucleotide variant.
Coding change: c.457G>A on transcript NM_001160372.4 (MANE Select); coding-DNA position 457, G replaced by A.
Protein change: p.Glu153Lys; replaces glutamic acid 153 with lysine.
Molecular consequence: missense variant. On other transcripts: non-coding transcript variant (1).
Genome position (GRCh38, 1-based): chr8:140,450,917, C>T on the plus strand (G>A on the coding strand, the complement: TRAPPC9 is on the minus strand). VCF-style: chr8-140450917-C-T. GRCh37 (hg19) VCF-style: chr8-141461016-C-T.
Other names: c.457G>A, p.Glu153Lys (NM_001321646.2, NM_001374682.1, NM_001374683.1 and 2 more transcripts); short protein forms E153K.
Identifiers: ClinVar variation 1759326 (VCV001759326.7), dbSNP rs754850439, ClinGen allele CA4893720.